The following is an entry in ClinVar:

NM_003070.5(SMARCA2):c.880G>A (p.Ala294Thr)

Gene: SMARCA2 (SWI/SNF related BAF chromatin remodeling complex subunit ATPase 2; plus strand). Cytogenetic location: 9p24.3.
Variant type: single nucleotide variant.
Coding change: c.880G>A on transcript NM_003070.5 (MANE Select); coding-DNA position 880, G replaced by A.
Protein change: p.Ala294Thr; replaces alanine 294 with threonine.
Molecular consequence: missense variant.
Genome position (GRCh38, 1-based): chr9:2,047,318, G>A. VCF-style: chr9-2047318-G-A. GRCh37 (hg19) VCF-style: chr9-2047318-G-A.
Other names: c.880G>A, p.Ala294Thr (NM_001289396.2, NM_001289397.2, NM_139045.4); c.880G>A (NM_003070.3); short protein forms A294T.
Identifiers: ClinVar variation 1098643 (VCV001098643.6), dbSNP rs1007969036, ClinGen allele CA187901001.

ClinVar aggregate classification (germline): Conflicting classifications of pathogenicity. Review status: criteria provided, conflicting classifications (1 of 4 stars). 5 submissions from 5 submitters: Uncertain significance (3); Likely benign (2). Last evaluated 2026-08-01.

Conditions:
Nicolaides-Baraitser syndrome (NCBRS). Also called: Intellectual disability-sparse hair-brachydactyly syndrome; SMARCA2-Related Nicolaides-Baraitser Syndrome. Identifiers: Orphanet 3051, MedGen C1303073, MONDO:0011053, OMIM 601358.
Inborn genetic diseases. Identifiers: MedGen C0950123, MeSH D030342.

Allele frequency attached by ClinVar (database versions not stated): gnomAD exomes below 0.00001; gnomAD 0.00002 and 0.00003; TOPMed 0.00003.
gnomAD v4.1: 7 of 1,045,158 alleles (0.00067%); highest among the groups gnomAD compares: Middle Eastern, 0.045%; no homozygotes.

Submissions (5):

CeGaT Center for Human Genetics Tuebingen
Classification: Likely benign. Last evaluated: 2026-08-01. Review status: criteria provided, single submitter. Criteria: CeGaT Center For Human Genetics Tuebingen Variant Classification Criteria Version 2. Collection method: clinical testing. Allele origin: germline. Affected: yes. Observed: 2 variant alleles.
Comment: SMARCA2: PP2, BS2

Labcorp Genetics (formerly Invitae), Labcorp
Classification: Uncertain significance. Last evaluated: 2025-09-01. Review status: criteria provided, single submitter. Criteria: Invitae Variant Classification Sherloc (09022015). Collection method: clinical testing. Allele origin: germline.
Comment: This sequence change replaces alanine, which is neutral and non-polar, with threonine, which is neutral and polar, at codon 294 of the SMARCA2 protein (p.Ala294Thr). The frequency data for this variant in the population databases is considered unreliable, as metrics indicate insufficient coverage at this position in the gnomAD database. This missense change has been observed in individual(s) with a neurodevelopmental disorder (PMID: 37500730). ClinVar contains an entry for this variant (Variation ID: 1098643). Invitae Evidence Modeling of protein sequence and biophysical properties (such as structural, functional, and spatial information, amino acid conservation, physicochemical variation, residue mobility, and thermodynamic stability) indicates that this missense variant is not expected to disrupt SMARCA2 protein function with a negative predictive value of 80%. In summary, the available evidence is currently insufficient to determine the role of this variant in disease. Therefore, it has been classified as a Variant of Uncertain Significance.

Blueprint Genetics
Classification: Likely benign. Last evaluated: 2024-11-08. Review status: criteria provided, single submitter. Criteria: ACMG Guidelines, 2015. Collection method: clinical testing. Allele origin: germline.

Ambry Genetics
Classification: Uncertain significance for Inborn genetic diseases. Last evaluated: 2023-12-18. Review status: criteria provided, single submitter. Criteria: Ambry Variant Classification Scheme 2023. Collection method: clinical testing. Allele origin: germline.

New York Genome Center
Classification: Uncertain significance for Nicolaides-Baraitser syndrome. Last evaluated: 2020-05-12. Review status: criteria provided, single submitter. Criteria: NYGC Assertion Criteria 2020. Collection method: clinical testing. Allele origin: germline. Observed: 1 heterozygote. Study: CSER-NYCKidSeq.

Literature cited by the submitters: PubMed 37500730 (cited by Labcorp Genetics (formerly Invitae), Labcorp).